The following is an entry in ClinVar:

NM_018714.3(COG1):c.2659G>A (p.Ala887Thr)

Gene: COG1 (component of oligomeric golgi complex 1; plus strand). Cytogenetic location: 17q25.1.
Variant type: single nucleotide variant.
Coding change: c.2659G>A on transcript NM_018714.3 (MANE Select); coding-DNA position 2659, G replaced by A.
Protein change: p.Ala887Thr; replaces alanine 887 with threonine.
Molecular consequence: missense variant.
Genome position (GRCh38, 1-based): chr17:73,206,747, G>A. VCF-style: chr17-73206747-G-A. GRCh37 (hg19) VCF-style: chr17-71202886-G-A.
Other names: c.2659G>A (NM_018714.2); short protein forms A887T.
Identifiers: ClinVar variation 2195233 (VCV002195233.4), dbSNP rs774356907, ClinGen allele CA8740563.
Genomic context (GRCh38, chr17:73,206,747, plus strand): 5'-GCTCCACCTCTTGTCTGCCAGGTTCTGTTTGGATTGGTGACTGGTACAGAGAATCAGCTC[G>A]CCCCCCGGAGCAGTACGTTCAACTCCCAAGAACCCCATAACATCCTGCCACTGGCATCCA-3'
Protein context (NP_061184.1, residues 877-897): GLVTGTENQL[Ala887Thr]PRSSTFNSQE

ClinVar aggregate classification (germline): Conflicting classifications of pathogenicity. Review status: criteria provided, conflicting classifications (1 of 4 stars). 2 submissions from 2 submitters: Uncertain significance (1); Likely benign (1). Last evaluated 2025-04-01.

Conditions:
COG1 congenital disorder of glycosylation (CDG2G). Also called: CDG IIg; CDGII/COG1 CEREBROCOSTOMANDIBULAR-LIKE SYNDROME; CONGENITAL DISORDER OF GLYCOSYLATION, TYPE IIg. Identifiers: Orphanet 263508, MedGen C2931011, MONDO:0012637, OMIM 611209.
Inborn genetic diseases. Identifiers: MedGen C0950123, MeSH D030342.

Allele frequency attached by ClinVar (database versions not stated): ExAC 0.00002; gnomAD exomes 0.00002; gnomAD 0.00005.
gnomAD v4.1: 36 of 1,611,048 alleles (0.0022%); highest among the groups gnomAD compares: South Asian, 0.025%; no homozygotes.

Submissions (2):

Ambry Genetics
Classification: Likely benign for Inborn genetic diseases. Last evaluated: 2025-04-01. Review status: criteria provided, single submitter. Criteria: Ambry Variant Classification Scheme 2023. Collection method: clinical testing. Allele origin: germline.

Labcorp Genetics (formerly Invitae), Labcorp
Classification: Uncertain significance for COG1 congenital disorder of glycosylation. Last evaluated: 2022-07-15. Review status: criteria provided, single submitter. Criteria: Invitae Variant Classification Sherloc (09022015). Collection method: clinical testing. Allele origin: germline.
Comment: In summary, the available evidence is currently insufficient to determine the role of this variant in disease. Therefore, it has been classified as a Variant of Uncertain Significance. Algorithms developed to predict the effect of missense changes on protein structure and function output the following: SIFT: "Tolerated"; PolyPhen-2: "Benign"; Align-GVGD: "Class C0". The threonine amino acid residue is found in multiple mammalian species, which suggests that this missense change does not adversely affect protein function. This variant has not been reported in the literature in individuals affected with COG1-related conditions. This variant is present in population databases (rs774356907, gnomAD 0.01%). This sequence change replaces alanine, which is neutral and non-polar, with threonine, which is neutral and polar, at codon 887 of the COG1 protein (p.Ala887Thr).